The following is an entry in ClinVar:

ClinVar aggregate classification (germline): Likely pathogenic (1 of 4 stars; one submission).

Conditions:
Hereditary cancer-predisposing syndrome. Also called: Neoplastic Syndromes, Hereditary; Tumor predisposition; Hereditary neoplastic syndrome; Hereditary Cancer Syndrome. Identifiers: Orphanet 140162, MedGen C0027672, MeSH D009386, MONDO:0015356.

Submission:

Ambry Genetics
Classification: Likely pathogenic for Hereditary cancer-predisposing syndrome. Last evaluated: 2019-07-30. Review status: criteria provided, single submitter. Criteria: Ambry Variant Classification Scheme 2023. Collection method: clinical testing. Allele origin: germline.
Comment: The c.68-2_68-1ins22 intronic variant, results from an insertion of 22 nucleotides 1 nucleotide upstream from coding exon 3 of the BAP1 gene. This nucleotide region is highly conserved in available vertebrate species. Using the BDGP and ESEfinder splice site prediction tools, this alteration is predicted to abolish the native acceptor site; however, direct evidence is unavailable. Alterations that disrupt the canonical splice site are expected to cause aberrant splicing, resulting in an abnormal protein or a transcript that is subject to nonsense-mediated mRNA decay. As such, this alteration is classified as likely pathogenic.

NM_004656.4(BAP1):c.68-2_68-1insTTCCTTTCCTTGACACCTTAAC

Gene: BAP1 (BRCA1 associated deubiquitinase 1; minus strand). Cytogenetic location: 3p21.1.
Variant type: Insertion.
Coding change: c.68-2_68-1insTTCCTTTCCTTGACACCTTAAC on transcript NM_004656.4 (MANE Select); the canonical splice acceptor site of the intron before coding-DNA position 68, TTCCTTTCCTTGACACCTTAAC inserted.
Molecular consequence: splice acceptor variant.
Genome position: GRCh38 VCF-style: chr3-52409609-C-CGTTAAGGTGTCAAGGAAAGGAA. GRCh37 (hg19) VCF-style: chr3-52443625-C-CGTTAAGGTGTCAAGGAAAGGAA.
Identifiers: ClinVar variation 826643 (VCV000826643.4), dbSNP rs1064792988, ClinGen allele CA915942507.
Genomic context (GRCh38, chr3:52,409,609, plus strand): 5'-CTCACCCCTGACATTTGCTCTGAAGGTCGTAGATCTCCTCCACTTGCACCCCCTTGACAC[C>CGTTAAGGTGTCAAGGAAAGGAA]TGCGATGAGGAAAGGAAAGCAGTAGGGAAGGACAGCCCCTGATGAGTGAGGGCGCAGGGG-3'